The following is an entry in ClinVar:

NM_000038.6(APC):c.934-1168A>G

Gene: APC (APC regulator of WNT signaling pathway; plus strand). Cytogenetic location: 5q22.2.
Variant type: single nucleotide variant.
Coding change: c.934-1168A>G on transcript NM_000038.6 (MANE Select); 1168 bases into the intron before coding-DNA position 934, A replaced by G.
Molecular consequence: intron variant.
Genome position (GRCh38, 1-based): chr5:112,817,798, A>G. VCF-style: chr5-112817798-A-G. GRCh37 (hg19) VCF-style: chr5-112153495-A-G.
Other names: c.934-1168A>G (NM_001354895.2, NM_001127510.3, NM_001354896.2); c.964-1168A>G (NM_001354897.2); c.964-1471A>G (NM_001354902.2); c.880-1168A>G (NM_001127511.3); c.859-1168A>G (NM_001354898.2); c.859-1471A>G (NM_001354904.2); c.85-1168A>G (NM_001354906.2); c.934-1471A>G (NM_001354903.2); and 3 more.
Identifiers: ClinVar variation 83112 (VCV000083112.2), dbSNP rs392907, ClinGen allele CA015828.

ClinVar aggregate classification (germline): other (0 of 4 stars; one submission).

Conditions:
Familial colorectal cancer. Identifiers: MedGen CN280943, MONDO:0023113. Disease mechanism: loss of function.

Allele frequency attached by ClinVar (database versions not stated): gnomAD 0.65755 and 0.66404; TOPMed 0.68119; 1000 Genomes Project 30x 0.74329; 1000 Genomes Project 0.74661.
gnomAD v4.1: 100,890 of 151,972 alleles (66%); highest among the groups gnomAD compares: East Asian, 90%; 33,930 homozygotes.

Submission:

Systems Biology Platform Zhejiang California International NanoSystems Institute
Classification: other for Familial colorectal cancer. Review status: no assertion criteria provided. Collection method: not provided. Allele origin: unknown.
ClinVar note: Converted during submission from cancer to other.